The following is an entry in ClinVar:

NM_018699.4(PRDM5):c.740C>T (p.Ser247Leu)

Gene: PRDM5 (PR/SET domain 5; minus strand). Cytogenetic location: 4q27.
Variant type: single nucleotide variant.
Coding change: c.740C>T on transcript NM_018699.4 (MANE Select); coding-DNA position 740, C replaced by T.
Protein change: p.Ser247Leu; replaces serine 247 with leucine.
Molecular consequence: missense variant. On other transcripts: intron variant (3).
Genome position (GRCh38, 1-based): chr4:120,816,835, G>A on the plus strand (C>T on the coding strand, the complement: PRDM5 is on the minus strand). VCF-style: chr4-120816835-G-A. GRCh37 (hg19) VCF-style: chr4-121737990-G-A.
Other names: c.740C>T, p.Ser247Leu (NM_001379104.1); c.651-261C>T (NM_001300824.2, NM_001379106.1, NM_001300823.2); c.740C>T (NM_018699.2); short protein forms S247L.
Identifiers: ClinVar variation 1359408 (VCV001359408.9), dbSNP rs187637689, ClinGen allele CA3061311.
Genomic context (GRCh38, chr4:120,816,835, plus strand): 5'-CATGCAAAAAATGACCCACAATTATATAACAGCCATTTCATAACTCAGACACAAAACCTC[G>A]ATGCTGAACTGAAGGAAGAATTGCAAACAGAGCACTGAAAACTTCGCGAAGACTCCTTTA-3'
Protein context (NP_061169.2, residues 237-257): SVCNSSFSSA[Ser247Leu]SFEQHQETCR

ClinVar aggregate classification (germline): Conflicting classifications of pathogenicity. Review status: criteria provided, conflicting classifications (1 of 4 stars). 6 submissions from 6 submitters: Uncertain significance (5); Benign (1). Last evaluated 2025-05-23.

Conditions:
Cardiovascular phenotype. Identifiers: MedGen CN230736.
Brittle cornea syndrome 2 (BCS2). Identifiers: Orphanet 90354, MedGen C3280011, MONDO:0013605, OMIM 614170.

Allele frequency attached by ClinVar (database versions not stated): gnomAD 0.00006; TOPMed 0.00011; ExAC 0.00014; 1000 Genomes Project 30x 0.00016; 1000 Genomes Project 0.00020.
gnomAD v4.1: 69 of 1,612,874 alleles (0.0043%); highest among the groups gnomAD compares: Admixed American, 0.083%; no homozygotes.

Submissions (6):

Women's Health and Genetics/Laboratory Corporation of America, LabCorp
Classification: Uncertain significance. Last evaluated: 2025-05-23. Review status: criteria provided, single submitter. Criteria: LabCorp Variant Classification Summary - May 2015. Collection method: clinical testing. Allele origin: germline.
Comment: Variant summary: PRDM5 c.740C>T (p.Ser247Leu) results in a non-conservative amino acid change in the encoded protein sequence. Algorithms developed to predict the effect of missense changes on protein structure and function are either unavailable or do not agree on the potential impact of this missense change. The variant allele was found at a frequency of 0.00018 in 251404 control chromosomes, predominantly at a frequency of 0.0012 within the Latino subpopulation in the gnomAD database. This frequency is not significantly higher than estimated for a pathogenic variant in PRDM5 causing Brittle cornea syndrome 2, allowing no conclusion about variant significance. To our knowledge, no occurrence of c.740C>T in individuals affected with Brittle cornea syndrome 2 and no experimental evidence demonstrating its impact on protein function have been reported. ClinVar contains an entry for this variant (Variation ID: 1359408). Based on the evidence outlined above, the variant was classified as uncertain significance.

Labcorp Genetics (formerly Invitae), Labcorp
Classification: Uncertain significance. Last evaluated: 2024-12-12. Review status: criteria provided, single submitter. Criteria: Invitae Variant Classification Sherloc (09022015). Collection method: clinical testing. Allele origin: germline.
Comment: This sequence change replaces serine, which is neutral and polar, with leucine, which is neutral and non-polar, at codon 247 of the PRDM5 protein (p.Ser247Leu). This variant is present in population databases (rs187637689, gnomAD 0.1%). This variant has not been reported in the literature in individuals affected with PRDM5-related conditions. ClinVar contains an entry for this variant (Variation ID: 1359408). An algorithm developed to predict the effect of missense changes on protein structure and function outputs the following: PolyPhen-2: "Benign". The leucine amino acid residue is found in multiple mammalian species, which suggests that this missense change does not adversely affect protein function. In summary, the available evidence is currently insufficient to determine the role of this variant in disease. Therefore, it has been classified as a Variant of Uncertain Significance.

Ambry Genetics
Classification: Benign for Cardiovascular phenotype. Last evaluated: 2024-09-16. Review status: criteria provided, single submitter. Criteria: Ambry Variant Classification Scheme 2023. Collection method: clinical testing. Allele origin: germline.

GeneDx
Classification: Uncertain significance. Last evaluated: 2024-05-01. Review status: criteria provided, single submitter. Criteria: GeneDx Variant Classification Process June 2021. Collection method: clinical testing. Allele origin: germline. Affected: yes.
Comment: Has not been previously published as pathogenic or benign to our knowledge; In silico analysis supports that this missense variant has a deleterious effect on protein structure/function

Fulgent Genetics
Classification: Uncertain significance for Brittle cornea syndrome 2. Last evaluated: 2022-01-18. Review status: criteria provided, single submitter. Criteria: ACMG Guidelines, 2015. Collection method: clinical testing. Allele origin: unknown.

Breakthrough Genomics
Classification: Uncertain significance. Review status: criteria provided, single submitter. Criteria: ACMG Guidelines, 2015. Collection method: not provided. Allele origin: germline. Inheritance: Autosomal recessive inheritance. Affected: yes.